The following is an entry in ClinVar:

NM_203447.4(DOCK8):c.5223G>A (p.Thr1741=)

Gene: DOCK8 (dedicator of cytokinesis 8; plus strand). Cytogenetic location: 9p24.3.
Variant type: single nucleotide variant.
Coding change: c.5223G>A on transcript NM_203447.4 (MANE Select); coding-DNA position 5223, G replaced by A.
Protein change: p.Thr1741=; no amino-acid change (threonine 1741 retained).
Molecular consequence: synonymous variant.
Genome position (GRCh38, 1-based): chr9:439,388, G>A. VCF-style: chr9-439388-G-A. GRCh37 (hg19) VCF-style: chr9-439388-G-A.
Other names: c.4923G>A, p.Thr1641= (NM_001190458.2); c.5019G>A, p.Thr1673= (NM_001193536.2).
Identifiers: ClinVar variation 1473437 (VCV001473437.3), dbSNP rs534712853, ClinGen allele CA4959346.

ClinVar aggregate classification (germline): Uncertain significance (1 of 4 stars; one submission).

Conditions:
Combined immunodeficiency due to DOCK8 deficiency (HIES2). Also called: Hyper-IgE recurrent infection syndrome, autosomal recessive; HYPER-IgE RECURRENT INFECTION SYNDROME 2, AUTOSOMAL RECESSIVE; HIES autosomal recessive; HYPER-IgE SYNDROME 2, AUTOSOMAL RECESSIVE, WITH RECURRENT INFECTIONS; DOCK8 Deficiency. Identifiers: Orphanet 217390, MedGen C4722305, MONDO:0009478, OMIM 243700.

Allele frequency attached by ClinVar (database versions not stated): ExAC 0.00001; gnomAD 0.00001; gnomAD exomes 0.00001; TOPMed 0.00003; 1000 Genomes Project 0.00020; 1000 Genomes Project 30x 0.00031.
gnomAD v4.1: 14 of 1,612,962 alleles (0.00087%); highest among the groups gnomAD compares: South Asian, 0.0022%; no homozygotes.

Submission:

Labcorp Genetics (formerly Invitae), Labcorp
Classification: Uncertain significance for Combined immunodeficiency due to DOCK8 deficiency. Last evaluated: 2022-10-05. Review status: criteria provided, single submitter. Criteria: Invitae Variant Classification Sherloc (09022015). Collection method: clinical testing. Allele origin: germline.
Comment: This sequence change affects codon 1741 of the DOCK8 mRNA. It is a 'silent' change, meaning that it does not change the encoded amino acid sequence of the DOCK8 protein. This variant also falls at the last nucleotide of exon 40, which is part of the consensus splice site for this exon. This variant is present in population databases (rs534712853, gnomAD 0.002%). This variant has not been reported in the literature in individuals affected with DOCK8-related conditions. ClinVar contains an entry for this variant (Variation ID: 1473437). Variants that disrupt the consensus splice site are a relatively common cause of aberrant splicing (PMID: 17576681, 9536098). Algorithms developed to predict the effect of sequence changes on RNA splicing suggest that this variant may create or strengthen a splice site. In summary, the available evidence is currently insufficient to determine the role of this variant in disease. Therefore, it has been classified as a Variant of Uncertain Significance.

Literature cited by the submitters: PubMed 17576681; PubMed 9536098.